The following is an entry in ClinVar:

ClinVar aggregate classification (germline): Likely benign. Review status: criteria provided, multiple submitters, no conflicts (2 of 4 stars). 5 submissions from 5 submitters: Likely benign (4). 1 of the submissions does not count toward it. Last evaluated 2026-01-27.

Conditions:
Congenital sideroblastic anemia-B-cell immunodeficiency-periodic fever-developmental delay syndrome. Also called: Sideroblastic anemia with B-cell immunodeficiency, periodic fevers, and developmental delay. Identifiers: Orphanet 369861, MedGen C4015172, MONDO:0014487, OMIM 616084.
TRNT1-related disorder. Also called: TRNT1-related condition; TRNT1-related disorders.

Allele frequency attached by ClinVar (database versions not stated): gnomAD exomes 0.00013 and 0.00023; gnomAD 0.00017 and 0.00019; ESP Exome Variant Server 0.00024; ExAC 0.00026; TOPMed 0.00026.

Submissions (6):

Labcorp Genetics (formerly Invitae), Labcorp
Classification: Likely benign for Congenital sideroblastic anemia-B-cell immunodeficiency-periodic fever-developmental delay syndrome. Last evaluated: 2026-01-27. Review status: criteria provided, single submitter. Criteria: Invitae Variant Classification Sherloc (09022015). Collection method: clinical testing. Allele origin: germline.

Mayo Clinic Laboratories, Mayo Clinic
Classification: Likely benign. Last evaluated: 2025-06-10. Review status: criteria provided, single submitter. Criteria: ACMG Guidelines, 2015. Collection method: clinical testing. Allele origin: germline. Observed: 1 variant allele.
Comment: BP4, BP7

Blueprint Genetics
Classification: Likely benign. Last evaluated: 2024-10-21. Review status: criteria provided, single submitter. Criteria: ACMG Guidelines, 2015. Collection method: clinical testing. Allele origin: germline.

GeneDx
Classification: Likely benign. Last evaluated: 2016-11-15. Review status: criteria provided, single submitter. Criteria: GeneDx Variant Classification (06012015). Collection method: clinical testing. Allele origin: germline. Affected: yes.
Comment: This variant is considered likely benign or benign based on one or more of the following criteria: it is a conservative change, it occurs at a poorly conserved position in the protein, it is predicted to be benign by multiple in silico algorithms, and/or has population frequency not consistent with disease.

PreventionGenetics, part of Exact Sciences
Classification: Likely benign for TRNT1-related condition. Last evaluated: 2019-07-18. Review status: no assertion criteria provided. Collection method: clinical testing. Allele origin: germline. Not counted in ClinVar's aggregate classification.
Comment: This variant is classified as likely benign based on ACMG/AMP sequence variant interpretation guidelines (Richards et al. 2015 PMID: 25741868, with internal and published modifications).

Dr. Peter K. Rogan Lab, Western University
No classification provided (evidence only). Condition: Chronic lymphocytic leukemia/small lymphocytic lymphoma. Review status: no classification provided. Collection method: in vitro. Allele origin: not applicable. Functional consequence: retained intron. Not counted in ClinVar's aggregate classification.

NM_182916.3(TRNT1):c.482-3dup

Gene: TRNT1 (tRNA nucleotidyl transferase 1; plus strand). Cytogenetic location: 3p26.2.
Variant type: Duplication.
Coding change: c.482-3dup on transcript NM_182916.3 (MANE Select); 3 bases into the intron before coding-DNA position 482, one base duplicated (T; older notation c.482-3dupT).
Molecular consequence: intron variant.
Genome position (GRCh38, 1-based): chr3:3,144,581, T duplicated. VCF-style (leftmost placement, unchanged base first): chr3-3144580-A-AT. GRCh37 (hg19) VCF-style: chr3-3186264-A-AT.
Other names: NC_000003.11:g.3186265dup; p.?; c.482-3dup (NM_001367321.1, NM_001367323.1, NM_001367322.1 and 3 more transcripts).
Identifiers: ClinVar variation 420888 (VCV000420888.15), dbSNP rs766154756, ClinGen allele CA2228691.
Genomic context (GRCh38, chr3:3,144,580, plus strand): 5'-TTCTTGTGTTTTCAAATTCTTATTTGCCAATAGTGATTTTTCTCCCTCCTTTTCTAATGA[A>AT]TAGGTTTTGATGGCACTTTATTTGACTACTTTAATGGTTATGAAGATTTAAAAAATAAGA-3'